The following is an entry in ClinVar:

NM_181712.5(KANK4):c.2013-2A>G

Gene: KANK4 (KN motif and ankyrin repeat domains 4; minus strand). Cytogenetic location: 1p31.3.
Variant type: single nucleotide variant.
Coding change: c.2013-2A>G on transcript NM_181712.5 (MANE Select); the canonical splice acceptor site of the intron before coding-DNA position 2013, A replaced by G.
Molecular consequence: splice acceptor variant.
Genome position (GRCh38, 1-based): chr1:62,268,507, T>C on the plus strand (A>G on the coding strand, the complement: KANK4 is on the minus strand). VCF-style: chr1-62268507-T-C. GRCh37 (hg19) VCF-style: chr1-62734179-T-C.
Other names: c.129-2A>G (NM_001320269.2).
Identifiers: ClinVar variation 3287342 (VCV003287342.1).

ClinVar aggregate classification (germline): Uncertain significance (1 of 4 stars; one submission).

gnomAD v4.1: 5 of 1,612,742 alleles (0.00031%); highest among the groups gnomAD compares: East Asian, 0.011%; no homozygotes.

Submission:

Ambry Genetics
Classification: Uncertain significance. Last evaluated: 2024-05-21. Review status: criteria provided, single submitter. Criteria: Ambry Variant Classification Scheme 2023. Collection method: clinical testing. Allele origin: germline.
Comment: Does not currently meet published gene-disease clinical validity criteria Based on insufficient or conflicting evidence, the clinical significance of this alteration remains unclear.

Literature cited by the submitters: PubMed 28106320.